The following is an entry in ClinVar:

NC_000022.10:g.(?_36152132)_(36156099_?)del

Gene: RBFOX2 (RNA binding fox-1 homolog 2; minus strand). Cytogenetic location: 22q12.3.
Variant type: Deletion.
Identifiers: ClinVar variation 2423667 (VCV002423667.4).

ClinVar aggregate classification (germline): Uncertain significance (1 of 4 stars; one submission).

Submission:

Labcorp Genetics (formerly Invitae), Labcorp
Classification: Uncertain significance. Last evaluated: 2022-08-03. Review status: criteria provided, single submitter. Criteria: Invitae Variant Classification Sherloc (09022015). Collection method: clinical testing. Allele origin: germline.
Comment: This variant is a gross deletion of the genomic region encompassing exon(s) 10-11 of the RBFOX2 gene. This deletion is out-of-frame, and is expected to create a premature translational stop signal and result in an absent or disrupted protein product. However, the current clinical and genetic evidence is not sufficient to establish whether loss-of-function variants in RBFOX2 cause disease. This variant has not been reported in the literature in individuals affected with RBFOX2-related conditions. In summary, the available evidence is currently insufficient to determine the role of this variant in disease. Therefore, it has been classified as a Variant of Uncertain Significance.